The following is an entry in ClinVar:

ClinVar aggregate classification (germline): Likely benign (1 of 4 stars; one submission).

gnomAD v4.1: 51 of 1,613,698 alleles (0.0032%); highest among the groups gnomAD compares: Non-Finnish European, 0.0042%; no homozygotes.

Submission:

Molecular Diagnostic Laboratory for Inherited Cardiovascular Disease, Montreal Heart Institute
Classification: Likely benign. Last evaluated: 2025-04-09. Review status: criteria provided, single submitter. Criteria: ACMG Guidelines, 2015. Collection method: clinical testing. Allele origin: germline. Affected: no.
Comment: BP1

NM_001267550.2(TTN):c.86914A>C (p.Ser28972Arg)

Genes: TTN (titin; minus strand), TTN-AS1 (TTN antisense RNA 1; plus strand). Cytogenetic location: 2q31.2.
Variant type: single nucleotide variant.
Coding change: c.86914A>C on transcript NM_001267550.2 (MANE Select); coding-DNA position 86914, A replaced by C.
Protein change: p.Ser28972Arg; replaces serine 28972 with arginine.
Molecular consequence: missense variant.
Genome position (GRCh38, 1-based): chr2:178,558,545, T>G on the plus strand (A>C on the coding strand, the complement: TTN is on the minus strand). VCF-style: chr2-178558545-T-G. GRCh37 (hg19) VCF-style: chr2-179423272-T-G.
Other names: c.81991A>C, p.Ser27331Arg (NM_001256850.1); c.59719A>C, p.Ser19907Arg (NM_003319.4); c.79210A>C, p.Ser26404Arg (NM_133378.4); c.60094A>C, p.Ser20032Arg (NM_133432.3); c.60295A>C, p.Ser20099Arg (NM_133437.4); short protein forms S19907R, S20032R, S20099R, S26404R, S27331R, S28972R.
Identifiers: ClinVar variation 3895279 (VCV003895279.1), dbSNP rs373312389.